The following is an entry in ClinVar:

NM_000548.5(TSC2):c.2828G>C (p.Arg943Thr)

Gene: TSC2 (TSC complex subunit 2; plus strand). Cytogenetic location: 16p13.3.
Variant type: single nucleotide variant.
Coding change: c.2828G>C on transcript NM_000548.5 (MANE Select); coding-DNA position 2828, G replaced by C.
Protein change: p.Arg943Thr; replaces arginine 943 with threonine.
Molecular consequence: missense variant. On other transcripts: non-coding transcript variant (5).
Genome position (GRCh38, 1-based): chr16:2,076,576, G>C. VCF-style: chr16-2076576-G-C. GRCh37 (hg19) VCF-style: chr16-2126577-G-C.
Other names: c.2228G>C, p.Arg743Thr (NM_001406683.1, NM_001406684.1, NM_001406685.1 and 6 more transcripts); c.2366G>C, p.Arg789Thr (NM_001406681.1); c.1484G>C, p.Arg495Thr (NM_001406689.1, NM_001406690.1, NM_001406691.1 and 6 more transcripts); c.2828G>C, p.Arg943Thr (NM_001077183.3, NM_001114382.3, NM_001363528.2 and 6 more transcripts); c.2717G>C, p.Arg906Thr (NM_001318827.2, NM_001406670.1, NM_001406678.1); c.2681G>C, p.Arg894Thr (NM_001318829.2, NM_001406675.1, NM_001406676.1 and 1 more transcripts); c.2861G>C, p.Arg954Thr (NM_001318832.2); c.2918G>C, p.Arg973Thr (NM_001406667.1, NM_001406668.1); and 3 more; short protein forms R906T, R954T, R409T, R894T, R973T, R743T, R924T, R495T.
Identifiers: ClinVar variation 3637211 (VCV003637211.2).

ClinVar aggregate classification (germline): Uncertain significance (1 of 4 stars; one submission).

Conditions:
Tuberous sclerosis 2 (TSC2). Identifiers: Orphanet 805, MedGen C1860707, MONDO:0013199, OMIM 613254.

Submission:

Labcorp Genetics (formerly Invitae), Labcorp
Classification: Uncertain significance for Tuberous sclerosis 2. Last evaluated: 2024-05-11. Review status: criteria provided, single submitter. Criteria: Invitae Variant Classification Sherloc (09022015). Collection method: clinical testing. Allele origin: germline.
Comment: This sequence change replaces arginine, which is basic and polar, with threonine, which is neutral and polar, at codon 943 of the TSC2 protein (p.Arg943Thr). This variant is not present in population databases (gnomAD no frequency). This variant has not been reported in the literature in individuals affected with TSC2-related conditions. Advanced modeling of protein sequence and biophysical properties (such as structural, functional, and spatial information, amino acid conservation, physicochemical variation, residue mobility, and thermodynamic stability) performed at Invitae indicates that this missense variant is not expected to disrupt TSC2 protein function with a negative predictive value of 95%. In summary, the available evidence is currently insufficient to determine the role of this variant in disease. Therefore, it has been classified as a Variant of Uncertain Significance.